The following is an entry in ClinVar:

ClinVar aggregate classification (germline): Benign. Review status: criteria provided, multiple submitters, no conflicts (2 of 4 stars). 4 submissions from 4 submitters: Benign (2). 2 of the submissions do not count toward it. Last evaluated 2018-11-10.

Conditions:
EPOXIDE HYDROLASE 1 POLYMORPHISM. Also called: RECLASSIFIED - EPOXIDE HYDROLASE 1 POLYMORPHISM.
Cystic fibrosis (CF). Also called: MUCOVISCIDOSIS. Identifiers: Orphanet 586, MedGen C0010674, MONDO:0009061, OMIM 219700. Disease mechanism: loss of function.

Allele frequency attached by ClinVar (database versions not stated): gnomAD 0.27786 and 0.27126; gnomAD exomes 0.30600 and 0.32127; 1000 Genomes Project 30x 0.31168; 1000 Genomes Project 0.31330; ExAC 0.31338; TOPMed 0.27601.
gnomAD v4.1: 489,674 of 1,613,706 alleles (30%); highest among the groups gnomAD compares: East Asian, 44%; 76,258 homozygotes.

Submissions (4):

GeneDx
Classification: Benign. Last evaluated: 2018-11-10. Review status: criteria provided, single submitter. Criteria: GeneDx Variant Classification Process June 2021. Collection method: clinical testing. Allele origin: germline. Affected: yes.
Comment: This variant is associated with the following publications: (PMID: 23580125, 7516776, 15061915, 15355699, 22206016, 23451147, 21445251, 19952982, 8944076, 20932192, 15535985, 22610071, 19307236, 21649467, 18439551, 25087612)

Breakthrough Genomics
Classification: Benign. Review status: criteria provided, single submitter. Criteria: ACMG Guidelines, 2015. Collection method: not provided. Allele origin: germline. Inheritance: Unknown mechanism. Affected: yes.

Center for Computational Genomics and Data Science, University of Alabama
Classification: risk factor for Cystic fibrosis. Last evaluated: 2019-04-01. Review status: no assertion criteria provided. Collection method: research. Allele origin: germline. Affected: yes. Observed: 3 variant alleles, 3 heterozygotes. Not counted in ClinVar's aggregate classification.

OMIM
Classification: Benign for RECLASSIFIED - EPOXIDE HYDROLASE 1 POLYMORPHISM. Last evaluated: 2001-06-01. Review status: no assertion criteria provided. Collection method: literature only. Allele origin: germline. Not counted in ClinVar's aggregate classification.

Literature cited by the submitters: PubMed 19017876 (cited by Center for Computational Genomics and Data Science, University of Alabama); PubMed 12704386 (cited by Center for Computational Genomics and Data Science, University of Alabama); PubMed 23426996 (cited by Center for Computational Genomics and Data Science, University of Alabama); PubMed 7516776 (cited by Center for Computational Genomics and Data Science, University of Alabama); PubMed 9288046 (cited by Center for Computational Genomics and Data Science, University of Alabama); PubMed 17532303 (cited by Center for Computational Genomics and Data Science, University of Alabama); Hamosh, A. Personal Communication. 2017. Baltimore, Md. (cited by OMIM); Hassett, C., Aicher, L., Sidhu, J. S., Omiecinski, C. J. Human microsomal epoxide hydrolase: genetic polymorphism and functional expression in vitro of amino acid variants. Hum. Molec. Genet. 3: 421-428, 1994. Note: Erratum: Hum. Molec. Genet. 3: 1214 only, 1994. (cited by OMIM); McGlynn, K. A., Rosvold, E. A., Lustbader, E. D., Hu, Y., Clapper, M. L., Zhou, T., Wild, C. P., Xia, X.-L., Baffoe-Bonnie, A., Ofori-Adjei, D., Chen, G.-C., London, W. T., Shen, F.-M., Buetow, K. H. Susceptibility to hepatocellular carcinoma is associated with genetic variation in the enzymatic detoxification of aflatoxin B1. Proc. Nat. Acad. Sci. 92: 2384-2387, 1995. (cited by OMIM); Sarmanova, J., Benesova, K., Gut, I., Nedelcheva-Kristensen, V., Tynkova, L., Soucek, P. Genetic polymorphisms of biotransformation enzymes in patients with Hodgkin's and non-Hodgkin's lymphomas. Hum. Molec. Genet. 10: 1265-1273, 2001. (cited by OMIM); Zusterzeel, P. L. M., Peters, W. H. M., Visser, W., Hermsen, K. J. M., Roelofs, H. M. J., Steegers, E. A. P. A polymorphism in the gene for microsomal epoxide hydrolase is associated with pre-eclampsia. J. Med. Genet. 38: 234-237, 2001. (cited by OMIM); Smith, C. A. D., Harrison, D. J. Association between polymorphism in gene for microsomal epoxide hydrolase and susceptibility to emphysema. Lancet 350: 630-633, 1997. (cited by OMIM).

NM_001136018.4(EPHX1):c.337T>C (p.Tyr113His)

Gene: EPHX1 (epoxide hydrolase 1; plus strand). Cytogenetic location: 1q42.12.
Variant type: single nucleotide variant.
Coding change: c.337T>C on transcript NM_001136018.4 (MANE Select); coding-DNA position 337, T replaced by C.
Protein change: p.Tyr113His; replaces tyrosine 113 with histidine.
Molecular consequence: missense variant. On other transcripts: non-coding transcript variant (3).
Genome position (GRCh38, 1-based): chr1:225,831,932, T>C. VCF-style: chr1-225831932-T-C. GRCh37 (hg19) VCF-style: chr1-226019633-T-C.
Other names: c.337T>C, p.Tyr113His (NM_000120.4, NM_001291163.2, NM_001378426.1 and 5 more transcripts); c.310T>C, p.Tyr104His (NM_001378428.1); short protein forms Y113H, Y104H.
Identifiers: ClinVar variation 16604 (VCV000016604.11), dbSNP rs1051740, ClinGen allele CA126706.